The following is an entry in ClinVar:

ClinVar aggregate classification (germline): Uncertain significance (1 of 4 stars; one submission).

Submission:

Labcorp Genetics (formerly Invitae), Labcorp
Classification: Uncertain significance. Last evaluated: 2023-10-03. Review status: criteria provided, single submitter. Criteria: Invitae Variant Classification Sherloc (09022015). Collection method: clinical testing. Allele origin: germline.
Comment: This sequence change replaces arginine, which is basic and polar, with serine, which is neutral and polar, at codon 99 of the AP3B2 protein (p.Arg99Ser). This variant is not present in population databases (gnomAD no frequency). This variant has not been reported in the literature in individuals affected with AP3B2-related conditions. ClinVar contains an entry for this variant (Variation ID: 1480784). An algorithm developed to predict the effect of missense changes on protein structure and function (PolyPhen-2) suggests that this variant is likely to be disruptive. Algorithms developed to predict the effect of sequence changes on RNA splicing suggest that this variant may disrupt the consensus splice site. In summary, the available evidence is currently insufficient to determine the role of this variant in disease. Therefore, it has been classified as a Variant of Uncertain Significance.

NM_001278512.2(AP3B2):c.295C>A (p.Arg99Ser)

Genes: AP3B2 (adaptor related protein complex 3 subunit beta 2; minus strand), CPEB1-AS1 (CPEB1 antisense RNA 1; plus strand). Cytogenetic location: 15q25.2.
Variant type: single nucleotide variant.
Coding change: c.295C>A on transcript NM_001278512.2 (MANE Select); coding-DNA position 295, C replaced by A.
Protein change: p.Arg99Ser; replaces arginine 99 with serine.
Molecular consequence: missense variant. On other transcripts: intron variant (1).
Genome position (GRCh38, 1-based): chr15:82,688,801, G>T on the plus strand (C>A on the coding strand, the complement: AP3B2 is on the minus strand). VCF-style: chr15-82688801-G-T. GRCh37 (hg19) VCF-style: chr15-83357553-G-T.
Other names: c.295C>A, p.Arg99Ser (NM_001348440.2, NM_004644.5); c.264+357C>A (NM_001278511.2); short protein forms R99S.
Identifiers: ClinVar variation 1480784 (VCV001480784.8), dbSNP rs373196064, ClinGen allele CA393301444.